The following is an entry in ClinVar:

ClinVar aggregate classification (germline): Likely pathogenic (1 of 4 stars; one submission).

Conditions:
Early-infantile DEE. Also called: Early infantile epileptic encephalopathy with suppression bursts; Early infantile epileptic encephalopathy; Ohtahara syndrome. Identifiers: Orphanet 1934, MedGen C0393706, MONDO:0800491.

Allele frequency attached by ClinVar (database versions not stated): TOPMed below 0.00001; gnomAD 0.00001; ESP Exome Variant Server 0.00008.
gnomAD v4.1: 33 of 1,603,164 alleles (0.0021%); highest among the groups gnomAD compares: Admixed American, 0.0083%; no homozygotes.

Submission:

Labcorp Genetics (formerly Invitae), Labcorp
Classification: Likely pathogenic for Early-infantile DEE. Last evaluated: 2025-11-24. Review status: criteria provided, single submitter. Criteria: Invitae Variant Classification Sherloc (09022015). Collection method: clinical testing. Allele origin: germline.
Comment: This sequence change replaces arginine, which is basic and polar, with tryptophan, which is neutral and slightly polar, at codon 677 of the KCNQ2 protein (p.Arg677Trp). This variant is present in population databases (rs371851085, gnomAD 0.01%). This missense change has been observed in individuals with clinical features of KCNQ2-related conditions (internal data). ClinVar contains an entry for this variant (Variation ID: 582756). Invitae Evidence Modeling of protein sequence and biophysical properties (such as structural, functional, and spatial information, amino acid conservation, physicochemical variation, residue mobility, and thermodynamic stability) indicates that this missense variant is expected to disrupt KCNQ2 protein function with a positive predictive value of 95%. In summary, the currently available evidence indicates that the variant is pathogenic, but additional data are needed to prove that conclusively. Therefore, this variant has been classified as Likely Pathogenic.

NM_172107.4(KCNQ2):c.2029C>T (p.Arg677Trp)

Gene: KCNQ2 (potassium voltage-gated channel subfamily Q member 2; minus strand). Cytogenetic location: 20q13.33.
Variant type: single nucleotide variant.
Coding change: c.2029C>T on transcript NM_172107.4 (MANE Select); coding-DNA position 2029, C replaced by T.
Protein change: p.Arg677Trp; replaces arginine 677 with tryptophan.
Molecular consequence: missense variant.
Genome position (GRCh38, 1-based): chr20:63,407,234, G>A on the plus strand (C>T on the coding strand, the complement: KCNQ2 is on the minus strand). VCF-style: chr20-63407234-G-A. GRCh37 (hg19) VCF-style: chr20-62038587-G-A.
Other names: c.1945C>T, p.Arg649Trp (NM_004518.6); c.1975C>T, p.Arg659Trp (NM_172106.3); c.1936C>T, p.Arg646Trp (NM_172108.5); short protein forms R677W, R646W, R649W, R659W.
Identifiers: ClinVar variation 582756 (VCV000582756.9), dbSNP rs371851085, ClinGen allele CA9958166.
Genomic context (GRCh38, chr20:63,407,234, plus strand): 5'-CCGTGGAGCTGCTGGAGCGCACGATCTTGACAATGCAGCCGTGCCTGTCGACATGCTCCC[G>A]GCTGTCTTCCGGGCTGTGGTACGGCGGCGCCGGCTCCGGCTCTTTGGCCCCAAAGTAGGC-3'
Protein context (NP_742105.1, residues 667-687): APPYHSPEDS[Arg677Trp]EHVDRHGCIV